The following is an entry in ClinVar:

NM_198578.4(LRRK2):c.3349A>C (p.Asn1117His)

Gene: LRRK2 (leucine rich repeat kinase 2; plus strand). Cytogenetic location: 12q12.
Variant type: single nucleotide variant.
Coding change: c.3349A>C on transcript NM_198578.4 (MANE Select); coding-DNA position 3349, A replaced by C.
Protein change: p.Asn1117His; replaces asparagine 1117 with histidine.
Molecular consequence: missense variant.
Genome position (GRCh38, 1-based): chr12:40,299,110, A>C. VCF-style: chr12-40299110-A-C. GRCh37 (hg19) VCF-style: chr12-40692912-A-C.
Other names: short protein forms N1117H.
Identifiers: ClinVar variation 1730483 (VCV001730483.2), dbSNP rs2499756142, ClinGen allele CA384415443.

ClinVar aggregate classification (germline): Uncertain significance (1 of 4 stars; one submission).

Conditions:
Inborn genetic diseases. Identifiers: MedGen C0950123, MeSH D030342.

Submission:

Ambry Genetics
Classification: Uncertain significance for Inborn genetic diseases. Last evaluated: 2022-05-01. Review status: criteria provided, single submitter. Criteria: Ambry Variant Classification Scheme 2023. Collection method: clinical testing. Allele origin: germline.
Comment: The p.N1117H variant (also known as c.3349A>C), located in coding exon 25 of the LRRK2 gene, results from an A to C substitution at nucleotide position 3349. The asparagine at codon 1117 is replaced by histidine, an amino acid with similar properties. This amino acid position is conserved. In addition, this alteration is predicted to be tolerated by in silico analysis. Since supporting evidence is limited at this time, the clinical significance of this alteration remains unclear.